The following is an entry in ClinVar:

ClinVar aggregate classification (germline): Uncertain significance (1 of 4 stars; one submission).

Allele frequency attached by ClinVar (database versions not stated): TOPMed below 0.00001; ExAC 0.00001; gnomAD exomes 0.00001 and 0.00003.
gnomAD v4.1: 18 of 1,613,396 alleles (0.0011%); highest among the groups gnomAD compares: Admixed American, 0.005%; no homozygotes.

Submission:

Labcorp Genetics (formerly Invitae), Labcorp
Classification: Uncertain significance. Last evaluated: 2022-10-13. Review status: criteria provided, single submitter. Criteria: Invitae Variant Classification Sherloc (09022015). Collection method: clinical testing. Allele origin: germline.
Comment: This sequence change replaces isoleucine, which is neutral and non-polar, with threonine, which is neutral and polar, at codon 1162 of the MYH3 protein (p.Ile1162Thr). This variant is present in population databases (rs779349540, gnomAD 0.01%). This variant has not been reported in the literature in individuals affected with MYH3-related conditions. ClinVar contains an entry for this variant (Variation ID: 1373922). Advanced modeling of protein sequence and biophysical properties (such as structural, functional, and spatial information, amino acid conservation, physicochemical variation, residue mobility, and thermodynamic stability) performed at Invitae indicates that this missense variant is not expected to disrupt MYH3 protein function. In summary, the available evidence is currently insufficient to determine the role of this variant in disease. Therefore, it has been classified as a Variant of Uncertain Significance.

NM_002470.4(MYH3):c.3485T>C (p.Ile1162Thr)

Gene: MYH3 (myosin heavy chain 3; minus strand). Cytogenetic location: 17p13.1.
Variant type: single nucleotide variant.
Coding change: c.3485T>C on transcript NM_002470.4 (MANE Select); coding-DNA position 3485, T replaced by C.
Protein change: p.Ile1162Thr; replaces isoleucine 1162 with threonine.
Molecular consequence: missense variant.
Genome position (GRCh38, 1-based): chr17:10,638,287, A>G on the plus strand (T>C on the coding strand, the complement: MYH3 is on the minus strand). VCF-style: chr17-10638287-A-G. GRCh37 (hg19) VCF-style: chr17-10541604-A-G.
Other names: short protein forms I1162T.
Identifiers: ClinVar variation 1373922 (VCV001373922.3), dbSNP rs779349540, ClinGen allele CA8392495.
Genomic context (GRCh38, chr17:10,638,287, plus strand): 5'-GCCTCCTCCAGGTCCCTGCGCAGCTTCAGGAACTCCGCCTCCCGCTTCTTGTTGAGCTCT[A>G]TCTGCGTGGAGGTGACGCCTCCCGCCTCCTCCAGCCGCTCGCTCAGCTCCTCCAGCTCCC-3'
Protein context (NP_002461.2, residues 1152-1172): EEAGGVTSTQ[Ile1162Thr]ELNKKREAEF